The following is an entry in ClinVar:

NM_001009944.3(PKD1):c.3036C>T (p.Thr1012=)

Gene: PKD1 (polycystin 1, transient receptor potential channel interacting; minus strand). Cytogenetic location: 16p13.3.
Variant type: single nucleotide variant.
Coding change: c.3036C>T on transcript NM_001009944.3 (MANE Select); coding-DNA position 3036, C replaced by T.
Protein change: p.Thr1012=; no amino-acid change (threonine 1012 retained).
Molecular consequence: synonymous variant.
Genome position (GRCh38, 1-based): chr16:2,112,913, G>A on the plus strand (C>T on the coding strand, the complement: PKD1 is on the minus strand). VCF-style: chr16-2112913-G-A. GRCh37 (hg19) VCF-style: chr16-2162914-G-A.
Other names: c.3036C>T, p.Thr1012= (NM_000296.4).
Identifiers: ClinVar variation 3350292 (VCV003350292.2).
Genomic context (GRCh38, chr16:2,112,913, plus strand): 5'-GGACAGCACGGCCGGCACTGTGGAGACCTGCAGACCCTGCATCCTGTTCATCCGCTCCAC[G>A]GTTACGTTGTAGTTCACGGTGACGTTGCTCACGTGGTTGGAGGCCGTCAGCTGCAGGGAC-3'
Protein context (NP_001009944.3, residues 1002-1022): VSNVTVNYNV[Thr1012=]VERMNRMQGL

ClinVar aggregate classification (germline): Likely benign. Review status: criteria provided, single submitter (1 of 4 stars). 2 submissions from 2 submitters: Likely benign (1). 1 of the submissions does not count toward it. Last evaluated 2024-10-02.

Conditions:
PKD1-related disorder. Also called: PKD1-related condition.
Polycystic kidney disease, adult type (PKD1). Also called: Polycystic Kidney, Autosomal Dominant; POLYCYSTIC KIDNEY DISEASE 1 WITH OR WITHOUT POLYCYSTIC LIVER DISEASE; POLYCYSTIC KIDNEY DISEASE, ADULT, TYPE I; Polycystic Kidney Disease 1, Autosomal Dominant; Polycystic kidney disease 1; Polycystic kidney disease 1, severe. Identifiers: MedGen C3149841, MONDO:0008263, OMIM 173900.

gnomAD v4.1: 57 of 1,606,102 alleles (0.0035%); highest among the groups gnomAD compares: East Asian, 0.047%; no homozygotes.

Submissions (2):

Department of Pathology and Laboratory Medicine, Sinai Health System
Classification: Likely benign for Polycystic kidney disease, adult type. Last evaluated: 2024-10-02. Review status: criteria provided, single submitter. Criteria: ACMG Guidelines, 2015. Collection method: clinical testing. Allele origin: germline. Affected: yes.

PreventionGenetics, part of Exact Sciences
Classification: Uncertain significance for PKD1-related condition. Last evaluated: 2024-06-11. Review status: no assertion criteria provided. Collection method: clinical testing. Allele origin: germline. Not counted in ClinVar's aggregate classification.
Comment: The PKD1 c.3036C>T variant is not predicted to result in an amino acid change (p.=). This synonymous alteration is predicted to strengthen a cryptic splice site; however, no functional studies have been done to assess whether this change would alter splicing (Alamut Visual Plus v1.6.1). To our knowledge, this variant has not been reported in the literature. This variant is reported in 0.025% of alleles in individuals of East Asian descent in gnomAD. At this time, the clinical significance of this variant is uncertain due to the absence of conclusive functional and genetic evidence.